The following is an entry in ClinVar:

ClinVar aggregate classification (germline): Pathogenic (1 of 4 stars; one submission).

Conditions:
Hereditary cancer-predisposing syndrome. Also called: Tumor predisposition; Hereditary Cancer Syndrome; Neoplastic Syndromes, Hereditary; Hereditary neoplastic syndrome. Identifiers: Orphanet 140162, MedGen C0027672, MeSH D009386, MONDO:0015356.

Submission:

Ambry Genetics
Classification: Pathogenic for Hereditary cancer-predisposing syndrome. Last evaluated: 2019-10-29. Review status: criteria provided, single submitter. Criteria: Ambry Variant Classification Scheme 2023. Collection method: clinical testing. Allele origin: germline.
Comment: The c.-1_6delTATGTCGinsACCT pathogenic mutation is located in the 5' untranslated region (5'UTR) and coding exon 1 of the MSH6 gene and results from a deletion of seven nucleotides and insertion of four nucleotides at nucleotide positions -1 to 6. This alters the methionine residue at the initiation codon (p.M1?). This alteration is expected to result in loss of translation initiation. As such, this alteration is interpreted as a disease-causing mutation.

NM_000179.3(MSH6):c.-1_6delinsACCT (p.Met1_Ser2delinsPro)

Gene: MSH6 (mutS homolog 6; plus strand). Cytogenetic location: 2p16.3.
Variant type: Indel.
Coding change: c.-1_6delinsACCT on transcript NM_000179.3 (MANE Select); 1 bases upstream of the start codon through coding-DNA position 6, TATGTCG replaced by ACCT.
Protein change: p.Met1_Ser2delinsPro.
Molecular consequence: initiator codon variant. On other transcripts: 5 prime UTR variant (1).
Genome position (GRCh38, 1-based): chr2:47,783,233-47,783,239, TATGTCG replaced by ACCT. VCF-style: chr2-47783233-TATGTCG-ACCT. GRCh37 (hg19) VCF-style: chr2-48010372-TATGTCG-ACCT.
Other names: c.-1_6delinsACCT, p.Met1_Ser2delinsPro (NM_001281492.2); c.-737_-731delinsACCT (NM_001281493.2); c.-1_6delTATGTCGinsACCT, p.Met(?_1)_Ser2(?) (NM_001406795.1, NM_001406796.1, NM_001406798.1 and 8 more transcripts); c.-329_-323delTATGTCGinsACCT (NM_001406799.1); c.-56_-50delTATGTCGinsACCT (NM_001406804.1); c.-929_-923delTATGTCGinsACCT (NM_001406807.1); c.-737_-731delTATGTCGinsACCT (NM_001406811.1); c.-584_-578delTATGTCGinsACCT (NM_001406812.1); and 2 more.
Identifiers: ClinVar variation 1794929 (VCV001794929.3), dbSNP rs2530313356, ClinGen allele CA2580066850.